The following is an entry in ClinVar:

NM_138694.4(PKHD1):c.7912-1G>A

Gene: PKHD1 (PKHD1 ciliary IPT domain containing fibrocystin/polyductin; minus strand). Cytogenetic location: 6p12.2.
Variant type: single nucleotide variant.
Coding change: c.7912-1G>A on transcript NM_138694.4 (MANE Select); the canonical splice acceptor site of the intron before coding-DNA position 7912, G replaced by A.
Molecular consequence: splice acceptor variant.
Genome position (GRCh38, 1-based): chr6:51,847,971, C>T on the plus strand (G>A on the coding strand, the complement: PKHD1 is on the minus strand). VCF-style: chr6-51847971-C-T. GRCh37 (hg19) VCF-style: chr6-51712769-C-T.
Other names: c.7912-1G>A (NM_170724.3).
Identifiers: ClinVar variation 551793 (VCV000551793.5), dbSNP rs1160209891, ClinGen allele CA364429636.

ClinVar aggregate classification (germline): Pathogenic. Review status: criteria provided, single submitter (1 of 4 stars). 2 submissions from 2 submitters: Pathogenic (1). 1 of the submissions does not count toward it. Last evaluated 2023-04-11.

Conditions:
Autosomal recessive polycystic kidney disease (ARPKD). Also called: AR polycystic kidney disease. Identifiers: Orphanet 731, Orphanet 8378, MedGen C0085548, MeSH D017044, MONDO:0009889.
Polycystic kidney disease 4 (PKD4). Also called: POLYCYSTIC KIDNEY DISEASE 4 WITH OR WITHOUT POLYCYSTIC LIVER DISEASE; POLYCYSTIC KIDNEY AND HEPATIC DISEASE 1; POLYCYSTIC KIDNEY DISEASE, INFANTILE, TYPE I; PKD3; Autosomal Recessive Polycystic Kidney Disease – PKHD1. Identifiers: MedGen C4540575, MONDO:0033004, OMIM 263200.

gnomAD v4.1: 1 of 1,610,896 alleles (0.000062%); highest among the groups gnomAD compares: East Asian, 0.0022%; no homozygotes.

Submissions (2):

Labcorp Genetics (formerly Invitae), Labcorp
Classification: Pathogenic for Autosomal recessive polycystic kidney disease. Last evaluated: 2023-04-11. Review status: criteria provided, single submitter. Criteria: Invitae Variant Classification Sherloc (09022015). Collection method: clinical testing. Allele origin: germline.
Comment: This sequence change affects an acceptor splice site in intron 49 of the PKHD1 gene. It is expected to disrupt RNA splicing. Variants that disrupt the donor or acceptor splice site typically lead to a loss of protein function (PMID: 16199547), and loss-of-function variants in PKHD1 are known to be pathogenic (PMID: 19940839). This variant is not present in population databases (gnomAD no frequency). Disruption of this splice site has been observed in individuals with clinical features of autosomal recessive polycystic kidney disease (PMID: 15805161, 27225849). ClinVar contains an entry for this variant (Variation ID: 551793). Algorithms developed to predict the effect of sequence changes on RNA splicing suggest that this variant may disrupt the consensus splice site. For these reasons, this variant has been classified as Pathogenic.

Counsyl
Classification: Likely pathogenic for Polycystic kidney disease 4. Last evaluated: 2017-05-09. Review status: no assertion criteria provided. Collection method: clinical testing. Allele origin: unknown. Not counted in ClinVar's aggregate classification.

Literature cited by the submitters: PubMed 16199547 (cited by Labcorp Genetics (formerly Invitae), Labcorp); PubMed 19940839 (cited by Labcorp Genetics (formerly Invitae), Labcorp); PubMed 15805161 (cited by Labcorp Genetics (formerly Invitae), Labcorp); PubMed 27225849 (cited by Labcorp Genetics (formerly Invitae), Labcorp).